The following is an entry in ClinVar:

NM_015164.4(PLEKHM2):c.1506AGA[2] (p.Glu505del)

Gene: PLEKHM2 (pleckstrin homology and RUN domain containing M2; plus strand). Cytogenetic location: 1p36.21.
Variant type: Microsatellite.
Coding change: c.1506AGA[2] on transcript NM_015164.4 (MANE Select); two copies in a row of the 3-base unit AGA starting at c.1506; the reference has three copies in a row; one copy, 3 bases deleted.
Protein change: p.Glu505del; deletes glutamic acid 505.
Molecular consequence: inframe deletion.
Genome position (GRCh38, 1-based): chr1:15,727,584-15,727,586, AGA deleted; deleting any 3 consecutive bases within chr1:15,727,577-15,727,586 gives the same sequence; the position shown is the placement nearest the transcript's 3' end. VCF-style (leftmost placement, unchanged base first): chr1-15727576-CAAG-C. GRCh37 (hg19) VCF-style: chr1-16054071-CAAG-C.
Other names: short protein forms E505del.
Identifiers: ClinVar variation 1442432 (VCV001442432.8), dbSNP rs1345388703, ClinGen allele CA521458823.
Genomic context (GRCh38, chr1:15,727,576, plus strand): 5'-CATGACCCTGCAGGGCTTGGCCAACCGCTGCATGTTCCTAGTAGCCCTGAGGCTGCTGGC[CAAG>C]AAGAAGAGGGAGGAGGAGGAGAGGGACAGACGCCTCGGCCCCTAGAGGATACCACGAGGG-3'

ClinVar aggregate classification (germline): Uncertain significance (1 of 4 stars; one submission).

Submission:

Labcorp Genetics (formerly Invitae), Labcorp
Classification: Uncertain significance. Last evaluated: 2024-10-14. Review status: criteria provided, single submitter. Criteria: Invitae Variant Classification Sherloc (09022015). Collection method: clinical testing. Allele origin: germline.
Comment: This variant, c.1512_1514del, results in the deletion of 1 amino acid(s) of the PLEKHM2 protein (p.Glu505del), but otherwise preserves the integrity of the reading frame. This variant is present in population databases (no rsID available, gnomAD 0.008%). This variant has not been reported in the literature in individuals affected with PLEKHM2-related conditions. Experimental studies and prediction algorithms are not available or were not evaluated, and the functional significance of this variant is currently unknown. In summary, the available evidence is currently insufficient to determine the role of this variant in disease. Therefore, it has been classified as a Variant of Uncertain Significance.